The following is an entry in ClinVar:

NM_001754.5(RUNX1):c.193G>A (p.Ala65Thr)

Gene: RUNX1 (RUNX family transcription factor 1; minus strand). Cytogenetic location: 21q22.12.
Variant type: single nucleotide variant.
Coding change: c.193G>A on transcript NM_001754.5 (MANE Select); coding-DNA position 193, G replaced by A.
Protein change: p.Ala65Thr; replaces alanine 65 with threonine.
Molecular consequence: missense variant.
Genome position (GRCh38, 1-based): chr21:34,887,001, C>T on the plus strand (G>A on the coding strand, the complement: RUNX1 is on the minus strand). VCF-style: chr21-34887001-C-T. GRCh37 (hg19) VCF-style: chr21-36259298-C-T.
Other names: NM_001754.5(RUNX1):c.193G>A; p.Ala65Thr; c.112G>A, p.Ala38Thr (NM_001001890.3, NM_001122607.2); short protein forms A65T, A38T.
Identifiers: ClinVar variation 2803152 (VCV002803152.4), dbSNP rs2146412555, ClinGen allele CA410203952.

ClinVar aggregate classification (germline): Uncertain significance. Review status: reviewed by expert panel (3 of 4 stars). 2 submissions from 2 submitters: Uncertain significance (1). 1 of the submissions does not count toward it. Last evaluated 2024-10-29.

Conditions:
Hereditary thrombocytopenia and hematological cancer predisposition syndrome associated with RUNX1. Also called: Familial Platelet Disorder with Propensity to Acute Myelogenous Leukemia; Familial thrombocytopenia with propensity to acute myelogenous leukemia; PLATELET DISORDER, ASPIRIN-LIKE; RUNX1 Familial Platelet Disorder with Associated Myeloid Malignancies. Identifiers: Orphanet 71290, MedGen C1832388, MeSH C563324, MONDO:0100083, OMIM 601399.
Hereditary thrombocytopenia and hematologic cancer predisposition syndrome. Identifiers: Orphanet 71290, MedGen CN281654, MONDO:0011071.

gnomAD v4.1: 1 of 1,603,750 alleles (0.000062%); highest among the groups gnomAD compares: African/African-American, 0.0013%; no homozygotes.

Submissions (2):

ClinGen Myeloid Malignancy Variant Curation Expert Panel
Classification: Uncertain significance for Hereditary thrombocytopenia and hematologic cancer predisposition syndrome. Last evaluated: 2024-10-29. Review status: reviewed by expert panel. Criteria: ClinGen MyeloMalig ACMG Specifications v2. Collection method: curation. Allele origin: germline. Inheritance: Autosomal dominant inheritance.
Comment: NM_001754.5(RUNX1):c.193G>A (p.Ala65Thr) is a missense variant which has a REVEL score < 0.50 (0.43) and a SpliceAI score ≤ 0.20 (0.01) (BP4). This variant is completely absent from all population databases with at least 20x coverage for RUNX1 (PM2_Supporting). In summary, the clinical significance of this variant is uncertain. ACMG/AMP criteria applied, as specified by the Myeloid Malignancy Variant Curation Expert Panel for RUNX1: BP4, PM2_supporting.

Labcorp Genetics (formerly Invitae), Labcorp
Classification: Uncertain significance for Hereditary thrombocytopenia and hematological cancer predisposition syndrome associated with RUNX1. Last evaluated: 2023-05-25. Review status: criteria provided, single submitter. Criteria: Invitae Variant Classification Sherloc (09022015). Collection method: clinical testing. Allele origin: germline. Not counted in ClinVar's aggregate classification.
Comment: In summary, the available evidence is currently insufficient to determine the role of this variant in disease. Therefore, it has been classified as a Variant of Uncertain Significance. Advanced modeling of protein sequence and biophysical properties (such as structural, functional, and spatial information, amino acid conservation, physicochemical variation, residue mobility, and thermodynamic stability) has been performed at Invitae for this missense variant, however the output from this modeling did not meet the statistical confidence thresholds required to predict the impact of this variant on RUNX1 protein function. This variant has not been reported in the literature in individuals affected with RUNX1-related conditions. This variant is not present in population databases (gnomAD no frequency). This sequence change replaces alanine, which is neutral and non-polar, with threonine, which is neutral and polar, at codon 65 of the RUNX1 protein (p.Ala65Thr).